The following is an entry in ClinVar:

ClinVar aggregate classification (germline): Uncertain significance. Review status: criteria provided, multiple submitters, no conflicts (2 of 4 stars). 2 submissions from 2 submitters: Uncertain significance (2). Last evaluated 2025-11-11.

Conditions:
Autosomal recessive polycystic kidney disease (ARPKD). Also called: AR polycystic kidney disease. Identifiers: Orphanet 731, Orphanet 8378, MedGen C0085548, MeSH D017044, MONDO:0009889.
Polycystic kidney disease 4 (PKD4). Also called: POLYCYSTIC KIDNEY AND HEPATIC DISEASE 1; POLYCYSTIC KIDNEY DISEASE, INFANTILE, TYPE I; POLYCYSTIC KIDNEY DISEASE 4 WITH OR WITHOUT POLYCYSTIC LIVER DISEASE; PKD3; Autosomal Recessive Polycystic Kidney Disease – PKHD1. Identifiers: MedGen C4540575, MONDO:0033004, OMIM 263200.

Submissions (2):

Labcorp Genetics (formerly Invitae), Labcorp
Classification: Uncertain significance for Autosomal recessive polycystic kidney disease. Last evaluated: 2025-11-11. Review status: criteria provided, single submitter. Criteria: Invitae Variant Classification Sherloc (09022015). Collection method: clinical testing. Allele origin: germline.
Comment: This sequence change replaces serine, which is neutral and polar, with asparagine, which is neutral and polar, at codon 523 of the PKHD1 protein (p.Ser523Asn). This variant is not present in population databases (gnomAD no frequency). This variant has not been reported in the literature in individuals affected with PKHD1-related conditions. ClinVar contains an entry for this variant (Variation ID: 4079674). Invitae Evidence Modeling of protein sequence and biophysical properties (such as structural, functional, and spatial information, amino acid conservation, physicochemical variation, residue mobility, and thermodynamic stability) has been performed for this missense variant. However, the output from this modeling did not meet the statistical confidence thresholds required to predict the impact of this variant on PKHD1 protein function. In summary, the available evidence is currently insufficient to determine the role of this variant in disease. Therefore, it has been classified as a Variant of Uncertain Significance.

Revvity Omics, Revvity
Classification: Uncertain significance for Polycystic kidney disease 4. Last evaluated: 2024-09-27. Review status: criteria provided, single submitter. Criteria: ACMG Guidelines, 2015. Collection method: clinical testing. Allele origin: germline.

NM_138694.4(PKHD1):c.1568G>A (p.Ser523Asn)

Gene: PKHD1 (PKHD1 ciliary IPT domain containing fibrocystin/polyductin; minus strand). Cytogenetic location: 6p12.2.
Variant type: single nucleotide variant.
Coding change: c.1568G>A on transcript NM_138694.4 (MANE Select); coding-DNA position 1568, G replaced by A.
Protein change: p.Ser523Asn; replaces serine 523 with asparagine.
Molecular consequence: missense variant.
Genome position (GRCh38, 1-based): chr6:52,056,924, C>T on the plus strand (G>A on the coding strand, the complement: PKHD1 is on the minus strand). VCF-style: chr6-52056924-C-T. GRCh37 (hg19) VCF-style: chr6-51921722-C-T.
Other names: c.1568G>A, p.Ser523Asn (NM_170724.3); short protein forms S523N.
Identifiers: ClinVar variation 4079674 (VCV004079674.2).